The following is an entry in ClinVar:

ClinVar aggregate classification (germline): Conflicting classifications of pathogenicity. Review status: criteria provided, conflicting classifications (1 of 4 stars). 3 submissions from 3 submitters: Uncertain significance (1); Benign (1); Likely benign (1). Last evaluated 2025-06-20.

Allele frequency attached by ClinVar (database versions not stated): gnomAD 0.00015; gnomAD exomes 0.00016; 1000 Genomes Project 0.00020; TOPMed 0.00022; 1000 Genomes Project 30x 0.00031; ExAC 0.00034.
gnomAD v4.1: 270 of 1,613,754 alleles (0.017%); highest among the groups gnomAD compares: East Asian, 0.15%; no homozygotes.

Submissions (3):

Labcorp Genetics (formerly Invitae), Labcorp
Classification: Uncertain significance. Last evaluated: 2025-06-20. Review status: criteria provided, single submitter. Criteria: Invitae Variant Classification Sherloc (09022015). Collection method: clinical testing. Allele origin: germline.
Comment: This sequence change replaces aspartic acid, which is acidic and polar, with asparagine, which is neutral and polar, at codon 1166 of the KIAA0556 protein (p.Asp1166Asn). This variant is present in population databases (rs185801522, gnomAD 0.2%). This variant has not been reported in the literature in individuals affected with KIAA0556-related conditions. ClinVar contains an entry for this variant (Variation ID: 2737690). An algorithm developed to predict the effect of missense changes on protein structure and function (PolyPhen-2) suggests that this variant is likely to be disruptive. In summary, the available evidence is currently insufficient to determine the role of this variant in disease. Therefore, it has been classified as a Variant of Uncertain Significance.

Ambry Genetics
Classification: Likely benign. Last evaluated: 2024-12-31. Review status: criteria provided, single submitter. Criteria: Ambry Variant Classification Scheme 2023. Collection method: clinical testing. Allele origin: germline.

Blueprint Genetics
Classification: Benign. Last evaluated: 2024-11-21. Review status: criteria provided, single submitter. Criteria: ACMG Guidelines, 2015. Collection method: clinical testing. Allele origin: germline.

NM_015202.5(KATNIP):c.3496G>A (p.Asp1166Asn)

Gene: KATNIP (katanin interacting protein; plus strand). Cytogenetic location: 16p12.1.
Variant type: single nucleotide variant.
Coding change: c.3496G>A on transcript NM_015202.5 (MANE Select); coding-DNA position 3496, G replaced by A.
Protein change: p.Asp1166Asn; replaces aspartic acid 1166 with asparagine.
Molecular consequence: missense variant.
Genome position (GRCh38, 1-based): chr16:27,751,868, G>A. VCF-style: chr16-27751868-G-A. GRCh37 (hg19) VCF-style: chr16-27763189-G-A.
Other names: c.3496G>A (NM_015202.2); short protein forms D1166N.
Identifiers: ClinVar variation 2737690 (VCV002737690.5), dbSNP rs185801522, ClinGen allele CA7978257.
Genomic context (GRCh38, chr16:27,751,868, plus strand): 5'-GATGTGGGGAGCCTGGACAGCCTGCAGGATGAAGAGGCAATGAGGAGGCCCAGCACGGCC[G>A]ACGGCGAGGGGGATGAGCGGCCCTTCACCCAGGCTGGCTTGGGGGCTGATGAACGGGTAG-3'
Protein context (NP_056017.4, residues 1156-1176): EEAMRRPSTA[Asp1166Asn]GEGDERPFTQ